The following is an entry in ClinVar:

ClinVar aggregate classification (germline): Pathogenic (1 of 4 stars; one submission).

Conditions:
Familial cancer of breast. Also called: hereditary breast carcinoma; BREAST CANCER, FAMILIAL; Hereditary breast cancer. Identifiers: Orphanet 227535, MedGen C0346153, MONDO:0016419, OMIM 114480. Disease mechanism: loss of function.

Submission:

Labcorp Genetics (formerly Invitae), Labcorp
Classification: Pathogenic for Familial cancer of breast. Last evaluated: 2025-04-07. Review status: criteria provided, single submitter. Criteria: Invitae Variant Classification Sherloc (09022015). Collection method: clinical testing. Allele origin: germline.
Comment: This sequence change creates a premature translational stop signal (p.Gly176Argfs*8) in the CHEK2 gene. It is expected to result in an absent or disrupted protein product. Loss-of-function variants in CHEK2 are known to be pathogenic (PMID: 21876083, 24713400). This variant is not present in population databases (gnomAD no frequency). This variant has not been reported in the literature in individuals affected with CHEK2-related conditions. ClinVar contains an entry for this variant (Variation ID: 2769698). Algorithms developed to predict the effect of sequence changes on RNA splicing suggest that this variant may disrupt the consensus splice site. For these reasons, this variant has been classified as Pathogenic.

Literature cited by the submitters: PubMed 21876083; PubMed 24713400.

NM_007194.4(CHEK2):c.526_530del (p.Gly176fs)

Gene: CHEK2 (checkpoint kinase 2; minus strand). Cytogenetic location: 22q12.1.
Variant type: Deletion.
Coding change: c.526_530del on transcript NM_007194.4 (MANE Select); coding-DNA positions 526 to 530, 5 bases deleted (GGGAA; older notation c.526_530delGGGAA).
Protein change: p.Gly176fs; shifts the reading frame from glycine 176.
Molecular consequence: frameshift variant. On other transcripts: 5 prime UTR variant (2), intron variant (1).
Genome position (GRCh38, 1-based): chr22:28,725,039-28,725,043, TTCCC deleted on the plus strand (GGGAA on the coding strand, the reverse complement: CHEK2 is on the minus strand); deleting any 5 consecutive bases within chr22:28,725,039-28,725,044 gives the same sequence; the c. name uses the placement nearest the transcript's 3' end. VCF-style (leftmost placement, unchanged base first): chr22-28725038-TTTCCC-T. GRCh37 (hg19) VCF-style: chr22-29121026-TTTCCC-T.
Other names: c.655_659del, p.Gly219fs (NM_001005735.3, NM_001438294.1); c.-252_-248del (NM_001257387.3); c.-138_-134del (NM_001437942.1); c.619_623del, p.Gly207fs (NM_001438293.1, NM_001438295.1); c.526_530del, p.Gly176fs (NM_145862.3); c.445-120_445-116del (NM_001349956.3); short protein forms G219fs, G176fs, G207fs.
Identifiers: ClinVar variation 2769698 (VCV002769698.3), dbSNP rs2518052174, ClinGen allele CA2697552630.